The following is an entry in ClinVar:

NM_013427.3(ARHGAP6):c.2784C>T (p.Ser928=)

Gene: ARHGAP6 (Rho GTPase activating protein 6; minus strand). Cytogenetic location: Xp22.2.
Variant type: single nucleotide variant.
Coding change: c.2784C>T on transcript NM_013427.3 (MANE Select); coding-DNA position 2784, C replaced by T.
Protein change: p.Ser928=; no amino-acid change (serine 928 retained).
Molecular consequence: synonymous variant. On other transcripts: non-coding transcript variant (1).
Genome position (GRCh38, 1-based): chrX:11,139,004, G>A on the plus strand (C>T on the coding strand, the complement: ARHGAP6 is on the minus strand). VCF-style: chrX-11139004-G-A. GRCh37 (hg19) VCF-style: chrX-11157124-G-A.
Other names: c.2244C>T, p.Ser748= (NM_001287242.2); c.2175C>T, p.Ser725= (NM_013423.3).
Identifiers: ClinVar variation 2659984 (VCV002659984.24), dbSNP rs1469592263, ClinGen allele CA515497955.

ClinVar aggregate classification (germline): Likely benign (1 of 4 stars; one submission).

Allele frequency attached by ClinVar (database versions not stated): gnomAD 0.00004.
gnomAD v4.1: 20 of 1,206,727 alleles (0.0017%); highest among the groups gnomAD compares: Middle Eastern, 0.025%; no homozygotes.

Submission:

CeGaT Center for Human Genetics Tuebingen
Classification: Likely benign. Last evaluated: 2023-03-01. Review status: criteria provided, single submitter. Criteria: CeGaT Center For Human Genetics Tuebingen Variant Classification Criteria Version 2. Collection method: clinical testing. Allele origin: germline. Affected: yes. Observed: 1 variant allele.
Comment: ARHGAP6: BP4, BP7